The following is an entry in ClinVar:

ClinVar aggregate classification (germline): Uncertain significance (1 of 4 stars; one submission).

Conditions:
Cardiovascular phenotype. Identifiers: MedGen CN230736.

Submission:

Ambry Genetics
Classification: Uncertain significance for Cardiovascular phenotype. Last evaluated: 2019-12-30. Review status: criteria provided, single submitter. Criteria: Ambry Variant Classification Scheme 2023. Collection method: clinical testing. Allele origin: germline.
Comment: The c.4637delT variant, located in coding exon 17 of the AKAP9 gene, results from a deletion of one nucleotide at nucleotide position 4637, causing a translational frameshift with a predicted alternate stop codon (p.L1546Rfs*15). This alteration is expected to result in loss of function by premature protein truncation or nonsense-mediated mRNA decay. However, loss of function of AKAP9 has not been clearly established as a mechanism of disease. Since supporting evidence is limited at this time, the clinical significance of this alteration remains unclear.

NM_005751.5(AKAP9):c.4637del (p.Leu1546fs)

Gene: AKAP9 (A-kinase anchoring protein 9; plus strand). Cytogenetic location: 7q21.2.
Variant type: Deletion.
Coding change: c.4637del on transcript NM_005751.5 (MANE Select); coding-DNA position 4637, one base deleted (T; older notation c.4637delT).
Protein change: p.Leu1546fs; shifts the reading frame from leucine 1546.
Molecular consequence: frameshift variant.
Genome position (GRCh38, 1-based): chr7:92,038,717, T deleted. VCF-style (leftmost placement, unchanged base first): chr7-92038716-CT-C. GRCh37 (hg19) VCF-style: chr7-91668030-CT-C.
Other names: c.4637del, p.Leu1546fs (NM_147185.3); short protein forms L1546fs.
Identifiers: ClinVar variation 1742069 (VCV001742069.2), dbSNP rs2484808585, ClinGen allele CA2580077438.
Genomic context (GRCh38, chr7:92,038,716, plus strand): 5'-AAGGAAATTTTATTATCAAATAGTGATCCCCATGATATACCAGAATCAAAGGACTGTGTG[CT>C]GACTATTTCAGAAGAAATGTTCTCCAAAGATAAAACATTTATAGTTAGACAGTCTGTAAG-3'